The following is an entry in ClinVar:

NM_003193.5(TBCE):c.464T>A (p.Ile155Asn)

Gene: TBCE (tubulin folding cofactor E; plus strand). Cytogenetic location: 1q42.3.
Variant type: single nucleotide variant.
Coding change: c.464T>A on transcript NM_003193.5 (MANE Select); coding-DNA position 464, T replaced by A.
Protein change: p.Ile155Asn; replaces isoleucine 155 with asparagine.
Molecular consequence: missense variant.
Genome position (GRCh38, 1-based): chr1:235,427,143, T>A. VCF-style: chr1-235427143-T-A. GRCh37 (hg19) VCF-style: chr1-235590458-T-A.
Other names: TBCE, ILE155ASN (rs780472451); c.464T>A, p.Ile155Asn (NM_001079515.3, NM_001287801.2); c.125T>A, p.Ile42Asn (NM_001287802.2); short protein forms I155N, I42N.
Identifiers: ClinVar variation 372201 (VCV000372201.14), dbSNP rs780472451, ClinGen allele CA1464055.

ClinVar aggregate classification (germline): Pathogenic/Likely pathogenic. Review status: criteria provided, multiple submitters, no conflicts (2 of 4 stars). 5 submissions from 5 submitters: Pathogenic (3); Likely pathogenic (1). 1 of the submissions does not count toward it. Last evaluated 2025-04-08.

Conditions:
Encephalopathy, progressive, with amyotrophy and optic atrophy (PEAMO). Identifiers: MedGen C4310667, MONDO:0014968, OMIM 617207.
TBCE-related disorder. Also called: TBCE-related disorders; TBCE-related condition.

Allele frequency attached by ClinVar (database versions not stated): TOPMed below 0.00001; ExAC 0.00001; gnomAD exomes below 0.00001.

Submissions (5):

Women's Health and Genetics/Laboratory Corporation of America, LabCorp
Classification: Pathogenic for TBCE-Related Disorder. Last evaluated: 2025-04-08. Review status: criteria provided, single submitter. Criteria: LabCorp Variant Classification Summary - May 2015. Collection method: clinical testing. Allele origin: germline.
Comment: Variant summary: TBCE c.464T>A (p.Ile155Asn) results in a non-conservative amino acid change in the encoded protein sequence. Four of five in-silico tools predict a damaging effect of the variant on protein function. The frequency data for this variant in gnomAD is considered unreliable, as metrics indicate poor data quality at this position. c.464T>A has been reported in the literature in multiple individuals affected with TBCE-Related Disorder (example, Sferra_2016). These data indicate that the variant is very likely to be associated with disease. At least one publication reports experimental evidence evaluating an impact on protein function. The most pronounced variant effect results in almost diminished normal expression and microtubule polymerization in patients fibroblasts (Sferra_2016). The following publication has been ascertained in the context of this evaluation (PMID: 27666369). ClinVar contains an entry for this variant (Variation ID: 372201). Based on the evidence outlined above, the variant was classified as pathogenic.

Labcorp Genetics (formerly Invitae), Labcorp
Classification: Pathogenic. Last evaluated: 2024-02-24. Review status: criteria provided, single submitter. Criteria: Invitae Variant Classification Sherloc (09022015). Collection method: clinical testing. Allele origin: germline.
Comment: This sequence change replaces isoleucine, which is neutral and non-polar, with asparagine, which is neutral and polar, at codon 155 of the TBCE protein (p.Ile155Asn). This variant is present in population databases (rs780472451, gnomAD 0.0009%). This missense change has been observed in individual(s) with clinical features of progressive encephalopathy with amyotrophy and optic atrophy (PMID: 27666369). In at least one individual the data is consistent with being in trans (on the opposite chromosome) from a pathogenic variant. ClinVar contains an entry for this variant (Variation ID: 372201). Advanced modeling of protein sequence and biophysical properties (such as structural, functional, and spatial information, amino acid conservation, physicochemical variation, residue mobility, and thermodynamic stability) performed at Invitae indicates that this missense variant is expected to disrupt TBCE protein function with a positive predictive value of 80%. For these reasons, this variant has been classified as Pathogenic.

Revvity Omics, Revvity
Classification: Likely pathogenic. Last evaluated: 2021-05-12. Review status: criteria provided, single submitter. Criteria: ACMG Guidelines, 2015. Collection method: clinical testing. Allele origin: germline.

GeneDx
Classification: Pathogenic. Last evaluated: 2021-02-17. Review status: criteria provided, single submitter. Criteria: GeneDx Variant Classification Process June 2021. Collection method: clinical testing. Allele origin: germline. Affected: yes.
Comment: Not observed at a significant frequency in GeneDX; In silico analysis supports that this missense variant has a deleterious effect on protein structure/function; This variant is associated with the following publications: (PMID: 27666369)

OMIM
Classification: Pathogenic for ENCEPHALOPATHY, PROGRESSIVE, WITH AMYOTROPHY AND OPTIC ATROPHY. Last evaluated: 2026-10-06. Review status: no assertion criteria provided. Collection method: literature only. Allele origin: germline. Not counted in ClinVar's aggregate classification.

Literature cited by the submitters: PubMed 27666369 (cited by 3 submitters); PubMed 41833177 (cited by OMIM).